The following is an entry in ClinVar:

NM_001424.6(EMP2):c.138G>A (p.Thr46=)

Gene: EMP2 (epithelial membrane protein 2; minus strand). Cytogenetic location: 16p13.13.
Variant type: single nucleotide variant.
Coding change: c.138G>A on transcript NM_001424.6 (MANE Select); coding-DNA position 138, G replaced by A.
Protein change: p.Thr46=; no amino-acid change (threonine 46 retained).
Molecular consequence: synonymous variant.
Genome position (GRCh38, 1-based): chr16:10,543,601, C>T on the plus strand (G>A on the coding strand, the complement: EMP2 is on the minus strand). VCF-style: chr16-10543601-C-T. GRCh37 (hg19) VCF-style: chr16-10637458-C-T.
Other names: c.138G>A (NM_001424.5).
Identifiers: ClinVar variation 2202929 (VCV002202929.7), dbSNP rs150309316, ClinGen allele CA7897862.

ClinVar aggregate classification (germline): Likely benign. Review status: criteria provided, multiple submitters, no conflicts (2 of 4 stars). 3 submissions from 3 submitters: Likely benign (2). 1 of the submissions does not count toward it. Last evaluated 2025-09-21.

Conditions:
EMP2-related disorder. Also called: EMP2-related condition.

Allele frequency attached by ClinVar (database versions not stated): ESP Exome Variant Server 0.00031; gnomAD 0.00033; TOPMed 0.00035; 1000 Genomes Project 0.00040; 1000 Genomes Project 30x 0.00047.
gnomAD v4.1: 118 of 1,614,214 alleles (0.0073%); highest among the groups gnomAD compares: African/African-American, 0.087%; no homozygotes.

Submissions (3):

Labcorp Genetics (formerly Invitae), Labcorp
Classification: Likely benign. Last evaluated: 2025-09-21. Review status: criteria provided, single submitter. Criteria: Invitae Variant Classification Sherloc (09022015). Collection method: clinical testing. Allele origin: germline.

Blueprint Genetics
Classification: Likely benign. Last evaluated: 2024-09-18. Review status: criteria provided, single submitter. Criteria: ACMG Guidelines, 2015. Collection method: clinical testing. Allele origin: germline.

PreventionGenetics, part of Exact Sciences
Classification: Likely benign for EMP2-related condition. Last evaluated: 2021-09-08. Review status: no assertion criteria provided. Collection method: clinical testing. Allele origin: germline. Not counted in ClinVar's aggregate classification.
Comment: This variant is classified as likely benign based on ACMG/AMP sequence variant interpretation guidelines (Richards et al. 2015 PMID: 25741868, with internal and published modifications).